The following is an entry in ClinVar:

ClinVar aggregate classification (germline): Uncertain significance. Review status: criteria provided, multiple submitters, no conflicts (2 of 4 stars). 2 submissions from 2 submitters: Uncertain significance (2). Last evaluated 2023-07-16.

Conditions:
Hereditary cancer-predisposing syndrome. Also called: Hereditary Cancer Syndrome; Hereditary neoplastic syndrome; Tumor predisposition; Neoplastic Syndromes, Hereditary. Identifiers: Orphanet 140162, MedGen C0027672, MeSH D009386, MONDO:0015356.
Rhabdoid tumor predisposition syndrome 2 (RTPS2). Identifiers: Orphanet 231108, Orphanet 69077, MedGen C2750074, MONDO:0013224, OMIM 613325.

Submissions (2):

Labcorp Genetics (formerly Invitae), Labcorp
Classification: Uncertain significance for Rhabdoid tumor predisposition syndrome 2. Last evaluated: 2023-07-16. Review status: criteria provided, single submitter. Criteria: Invitae Variant Classification Sherloc (09022015). Collection method: clinical testing. Allele origin: germline.
Comment: In summary, the available evidence is currently insufficient to determine the role of this variant in disease. Therefore, it has been classified as a Variant of Uncertain Significance. Advanced modeling of protein sequence and biophysical properties (such as structural, functional, and spatial information, amino acid conservation, physicochemical variation, residue mobility, and thermodynamic stability) has been performed at Invitae for this missense variant, however the output from this modeling did not meet the statistical confidence thresholds required to predict the impact of this variant on SMARCA4 protein function. ClinVar contains an entry for this variant (Variation ID: 1791072). This variant has not been reported in the literature in individuals affected with SMARCA4-related conditions. This variant is not present in population databases (gnomAD no frequency). This sequence change replaces isoleucine, which is neutral and non-polar, with valine, which is neutral and non-polar, at codon 809 of the SMARCA4 protein (p.Ile809Val).

Ambry Genetics
Classification: Uncertain significance for Hereditary cancer-predisposing syndrome. Last evaluated: 2020-01-21. Review status: criteria provided, single submitter. Criteria: Ambry Variant Classification Scheme 2023. Collection method: clinical testing. Allele origin: germline.
Comment: The p.I809V variant (also known as c.2425A>G), located in coding exon 15 of the SMARCA4 gene, results from an A to G substitution at nucleotide position 2425. The isoleucine at codon 809 is replaced by valine, an amino acid with highly similar properties. This amino acid position is highly conserved in available vertebrate species. In addition, the in silico prediction for this alteration is inconclusive. Since supporting evidence is limited at this time, the clinical significance of this alteration remains unclear.

NM_003072.5(SMARCA4):c.2425A>G (p.Ile809Val)

Gene: SMARCA4 (SWI/SNF related BAF chromatin remodeling complex subunit ATPase 4; plus strand). Cytogenetic location: 19p13.2.
Variant type: single nucleotide variant.
Coding change: c.2425A>G on transcript NM_003072.5 (MANE Select); coding-DNA position 2425, A replaced by G.
Protein change: p.Ile809Val; replaces isoleucine 809 with valine.
Molecular consequence: missense variant. On other transcripts: non-coding transcript variant (1).
Genome position (GRCh38, 1-based): chr19:11,013,099, A>G. VCF-style: chr19-11013099-A-G. GRCh37 (hg19) VCF-style: chr19-11123775-A-G.
Other names: c.2425A>G, p.Ile809Val (NM_001128844.3, NM_001128845.2, NM_001128846.2 and 6 more transcripts); short protein forms I809V.
Identifiers: ClinVar variation 1791072 (VCV001791072.5), dbSNP rs2514703560, ClinGen allele CA404053340.
Genomic context (GRCh38, chr19:11,013,099, plus strand): 5'-ACCATCGCGCTCATCACGTACCTCATGGAGCACAAACGCATCAATGGGCCCTTCCTCATC[A>G]TCGTGCCTCTCTCGTGAGTACCCGCTGCCAGCAACATCCCACACGCCGCTCACACGCTCC-3'
Protein context (NP_003063.2, residues 799-819): HKRINGPFLI[Ile809Val]VPLSTLSNWA